The following is an entry in ClinVar:

ClinVar aggregate classification (germline): Uncertain significance (1 of 4 stars; one submission).

Allele frequency attached by ClinVar (database versions not stated): gnomAD exomes 0.00001.
gnomAD v4.1: 3 of 1,614,168 alleles (0.00019%); highest among the groups gnomAD compares: East Asian, 0.0022%; no homozygotes.

Submission:

Labcorp Genetics (formerly Invitae), Labcorp
Classification: Uncertain significance. Last evaluated: 2023-02-10. Review status: criteria provided, single submitter. Criteria: Invitae Variant Classification Sherloc (09022015). Collection method: clinical testing. Allele origin: germline.
Comment: This variant is present in population databases (no rsID available, gnomAD 0.003%). This variant has not been reported in the literature in individuals affected with DENND5A-related conditions. Advanced modeling of protein sequence and biophysical properties (such as structural, functional, and spatial information, amino acid conservation, physicochemical variation, residue mobility, and thermodynamic stability) performed at Invitae indicates that this missense variant is not expected to disrupt DENND5A protein function. In summary, the available evidence is currently insufficient to determine the role of this variant in disease. Therefore, it has been classified as a Variant of Uncertain Significance. This sequence change replaces isoleucine, which is neutral and non-polar, with asparagine, which is neutral and polar, at codon 420 of the DENND5A protein (p.Ile420Asn).

NM_015213.4(DENND5A):c.1259T>A (p.Ile420Asn)

Gene: DENND5A (DENN domain containing 5A; minus strand). Cytogenetic location: 11p15.4.
Variant type: single nucleotide variant.
Coding change: c.1259T>A on transcript NM_015213.4 (MANE Select); coding-DNA position 1259, T replaced by A.
Protein change: p.Ile420Asn; replaces isoleucine 420 with asparagine.
Molecular consequence: missense variant. On other transcripts: non-coding transcript variant (1).
Genome position (GRCh38, 1-based): chr11:9,180,963, A>T on the plus strand (T>A on the coding strand, the complement: DENND5A is on the minus strand). VCF-style: chr11-9180963-A-T. GRCh37 (hg19) VCF-style: chr11-9202510-A-T.
Other names: c.1259T>A, p.Ile420Asn (NM_001243254.2, NM_001348748.1); c.1187T>A, p.Ile396Asn (NM_001348749.2); c.971T>A, p.Ile324Asn (NM_001348750.2); short protein forms I324N, I396N, I420N.
Identifiers: ClinVar variation 2095247 (VCV002095247.4), dbSNP rs1366907375, ClinGen allele CA379617234.